The following is an entry in ClinVar:

ClinVar aggregate classification (germline): Likely benign (0 of 4 stars; one submission).

Conditions:
NRP2-related disorder. Also called: NRP2-related condition.

Submission:

PreventionGenetics, part of Exact Sciences
Classification: Likely benign for NRP2-related condition. Last evaluated: 2023-12-15. Review status: no assertion criteria provided. Collection method: clinical testing. Allele origin: germline.
Comment: This variant is classified as likely benign based on ACMG/AMP sequence variant interpretation guidelines (Richards et al. 2015 PMID: 25741868, with internal and published modifications).

NM_003872.3(NRP2):c.2523G>A (p.Gly841=)

Gene: NRP2 (neuropilin 2; plus strand). Cytogenetic location: 2q33.3.
Variant type: single nucleotide variant.
Coding change: c.2523G>A on transcript NM_003872.3 (MANE Select); coding-DNA position 2523, G replaced by A.
Protein change: p.Gly841=; no amino-acid change (glycine 841 retained).
Molecular consequence: synonymous variant.
Genome position (GRCh38, 1-based): chr2:205,794,800, G>A. VCF-style: chr2-205794800-G-A. GRCh37 (hg19) VCF-style: chr2-206659524-G-A.
Other names: c.2538G>A, p.Gly846= (NM_201266.2); c.2472G>A, p.Gly824= (NM_201279.2).
Identifiers: ClinVar variation 3348766 (VCV003348766.1).
Genomic context (GRCh38, chr2:205,794,800, plus strand): 5'-TTTATGTATCGCAGATGAATACGAGGTGGACTGGAGCAATTCTTCTTCTGCAACCTCAGG[G>A]TCTGGCGCCCCCTCGACCGACAAAGAAAAGAGCTGGCTGTACACCCTGGATCCCATCCTC-3'
Protein context (NP_003863.2, residues 831-851): DWSNSSSATS[Gly841=]SGAPSTDKEK